The following is an entry in ClinVar:

NM_000535.7(PMS2):c.776G>C (p.Cys259Ser)

Gene: PMS2 (PMS1 homolog 2, mismatch repair system component; minus strand). Cytogenetic location: 7p22.1.
Variant type: single nucleotide variant.
Coding change: c.776G>C on transcript NM_000535.7 (MANE Select); coding-DNA position 776, G replaced by C.
Protein change: p.Cys259Ser; replaces cysteine 259 with serine.
Molecular consequence: missense variant. On other transcripts: non-coding transcript variant (1), intron variant (3), 5 prime UTR variant (2).
Genome position (GRCh38, 1-based): chr7:5,997,353, C>G on the plus strand (G>C on the coding strand, the complement: PMS2 is on the minus strand). VCF-style: chr7-5997353-C-G. GRCh37 (hg19) VCF-style: chr7-6036984-C-G.
Other names: c.467G>C, p.Cys156Ser (NM_001406878.1, NM_001406879.1, NM_001406880.1 and 6 more transcripts); c.458G>C, p.Cys153Ser (NM_001406883.1, NM_001322007.2, NM_001406876.1 and 4 more transcripts); c.608G>C, p.Cys203Ser (NM_001406884.1, NM_001406874.1); c.440G>C, p.Cys147Ser (NM_001406885.1); c.371G>C, p.Cys124Ser (NM_001018040.1, NM_001322003.2, NM_001322004.2 and 20 more transcripts); c.776G>C, p.Cys259Ser (NM_001322006.2, NM_001406870.1, NM_001406871.1 and 3 more transcripts); c.203G>C, p.Cys68Ser (NM_001406909.1, NM_001322013.2); c.132+5100G>C (NM_001406911.1); and 7 more; short protein forms C147S, C153S, C156S, C223S, C203S, C124S, C267S, C321S.
Identifiers: ClinVar variation 2735688 (VCV002735688.3), dbSNP rs2128786924, ClinGen allele CA366743656.

ClinVar aggregate classification (germline): Uncertain significance (1 of 4 stars; one submission).

Conditions:
Hereditary nonpolyposis colorectal neoplasms. Identifiers: MedGen C0009405, MeSH D003123.

Submission:

Labcorp Genetics (formerly Invitae), Labcorp
Classification: Uncertain significance for Hereditary nonpolyposis colorectal neoplasms. Last evaluated: 2023-12-27. Review status: criteria provided, single submitter. Criteria: Invitae Variant Classification Sherloc (09022015). Collection method: clinical testing. Allele origin: germline.
Comment: This sequence change replaces cysteine, which is neutral and slightly polar, with serine, which is neutral and polar, at codon 259 of the PMS2 protein (p.Cys259Ser). This variant is not present in population databases (gnomAD no frequency). This variant has not been reported in the literature in individuals affected with PMS2-related conditions. Advanced modeling of protein sequence and biophysical properties (such as structural, functional, and spatial information, amino acid conservation, physicochemical variation, residue mobility, and thermodynamic stability) performed at Invitae indicates that this missense variant is not expected to disrupt PMS2 protein function with a negative predictive value of 80%. In summary, the available evidence is currently insufficient to determine the role of this variant in disease. Therefore, it has been classified as a Variant of Uncertain Significance.